The following is an entry in ClinVar:

ClinVar aggregate classification (germline): Benign/Likely benign. Review status: criteria provided, multiple submitters, no conflicts (2 of 4 stars). 3 submissions from 3 submitters: Benign (1); Likely benign (2). Last evaluated 2024-09-05.

Conditions:
Familial cancer of breast. Also called: BREAST CANCER, FAMILIAL; hereditary breast carcinoma; Hereditary breast cancer. Identifiers: Orphanet 227535, MedGen C0346153, MONDO:0016419, OMIM 114480. Disease mechanism: loss of function.
Fanconi anemia complementation group J. Also called: BRIP1-Related Fanconi Anemia. Identifiers: Orphanet 84, MedGen C1836860, MONDO:0012187, OMIM 609054.
Hereditary cancer-predisposing syndrome. Also called: Neoplastic Syndromes, Hereditary; Tumor predisposition; Hereditary neoplastic syndrome; Hereditary Cancer Syndrome. Identifiers: Orphanet 140162, MedGen C0027672, MeSH D009386, MONDO:0015356.

Allele frequency attached by ClinVar (database versions not stated): TOPMed 0.00001.

Submissions (3):

Myriad Genetics, Inc.
Classification: Benign for Familial cancer of breast. Last evaluated: 2024-09-05. Review status: criteria provided, single submitter. Criteria: Myriad Autosomal Dominant, Autosomal Recessive and X-Linked Classification Criteria (2023). Collection method: clinical testing. Allele origin: unknown.
Comment: This variant is considered benign. This variant is a silent/synonymous amino acid change and it is not expected to impact splicing.

Labcorp Genetics (formerly Invitae), Labcorp
Classification: Likely benign for Familial cancer of breast; Fanconi anemia complementation group J. Last evaluated: 2024-04-10. Review status: criteria provided, single submitter. Criteria: Invitae Variant Classification Sherloc (09022015). Collection method: clinical testing. Allele origin: germline.

Ambry Genetics
Classification: Likely benign for Hereditary cancer-predisposing syndrome. Last evaluated: 2015-12-30. Review status: criteria provided, single submitter. Criteria: Ambry Variant Classification Scheme 2023. Collection method: clinical testing. Allele origin: germline.

NM_032043.3(BRIP1):c.2667A>G (p.Gln889=)

Gene: BRIP1 (BRCA1 interacting DNA helicase 1; minus strand). Cytogenetic location: 17q23.2.
Variant type: single nucleotide variant.
Coding change: c.2667A>G on transcript NM_032043.3 (MANE Select); coding-DNA position 2667, A replaced by G.
Protein change: p.Gln889=; no amino-acid change (glutamine 889 retained).
Molecular consequence: synonymous variant.
Genome position (GRCh38, 1-based): chr17:61,686,074, T>C on the plus strand (A>G on the coding strand, the complement: BRIP1 is on the minus strand). VCF-style: chr17-61686074-T-C. GRCh37 (hg19) VCF-style: chr17-59763435-T-C.
Identifiers: ClinVar variation 1794504 (VCV001794504.8), dbSNP rs1357906691, ClinGen allele CA501335863.